The following is an entry in ClinVar:

ClinVar aggregate classification (germline): Uncertain significance (1 of 4 stars; one submission).

Conditions:
Developmental and epileptic encephalopathy, 9 (DEE9). Also called: EPILEPSY, FEMALE-RESTRICTED, WITH MENTAL RETARDATION; Early infantile epileptic encephalopathy 9; JUBERG-HELLMAN SYNDROME; PCDH19-Related X-Linked Female-Limited Epilepsy with Mental Retardation. Identifiers: Orphanet 101039, Orphanet 2076, MedGen C1848137, MONDO:0010246, OMIM 300088. Disease mechanism: loss of function.

gnomAD v4.1: 2 of 1,206,985 alleles (0.00017%); highest among the groups gnomAD compares: Admixed American, 0.0044%; no homozygotes.

Submission:

Labcorp Genetics (formerly Invitae), Labcorp
Classification: Uncertain significance for Developmental and epileptic encephalopathy, 9. Last evaluated: 2024-06-22. Review status: criteria provided, single submitter. Criteria: Invitae Variant Classification Sherloc (09022015). Collection method: clinical testing. Allele origin: germline.
Comment: This sequence change replaces asparagine, which is neutral and polar, with aspartic acid, which is acidic and polar, at codon 707 of the PCDH19 protein (p.Asn707Asp). This variant is present in population databases (no rsID available, gnomAD 0.004%). This variant has not been reported in the literature in individuals affected with PCDH19-related conditions. Advanced modeling of protein sequence and biophysical properties (such as structural, functional, and spatial information, amino acid conservation, physicochemical variation, residue mobility, and thermodynamic stability) performed at Invitae indicates that this missense variant is not expected to disrupt PCDH19 protein function with a negative predictive value of 95%. In summary, the available evidence is currently insufficient to determine the role of this variant in disease. Therefore, it has been classified as a Variant of Uncertain Significance.

NM_001184880.2(PCDH19):c.2119A>G (p.Asn707Asp)

Gene: PCDH19 (protocadherin 19; minus strand). Cytogenetic location: Xq22.1.
Variant type: single nucleotide variant.
Coding change: c.2119A>G on transcript NM_001184880.2 (MANE Select); coding-DNA position 2119, A replaced by G.
Protein change: p.Asn707Asp; replaces asparagine 707 with aspartic acid.
Molecular consequence: missense variant.
Genome position (GRCh38, 1-based): chrX:100,406,479, T>C on the plus strand (A>G on the coding strand, the complement: PCDH19 is on the minus strand). VCF-style: chrX-100406479-T-C. GRCh37 (hg19) VCF-style: chrX-99661477-T-C.
Other names: c.2119A>G, p.Asn707Asp (NM_001105243.2, NM_020766.3); short protein forms N707D.
Identifiers: ClinVar variation 3715087 (VCV003715087.2).